The following is an entry in ClinVar:

NM_176787.5(PIGN):c.932T>G (p.Leu311Trp)

Gene: PIGN (phosphatidylinositol glycan anchor biosynthesis class N; minus strand). Cytogenetic location: 18q21.33.
Variant type: single nucleotide variant.
Coding change: c.932T>G on transcript NM_176787.5 (MANE Select); coding-DNA position 932, T replaced by G.
Protein change: p.Leu311Trp; replaces leucine 311 with tryptophan.
Molecular consequence: missense variant.
Genome position (GRCh38, 1-based): chr18:62,143,337, A>C on the plus strand (T>G on the coding strand, the complement: PIGN is on the minus strand). VCF-style: chr18-62143337-A-C. GRCh37 (hg19) VCF-style: chr18-59810570-A-C.
Other names: p.L311W; c.932T>G, p.Leu311Trp (NM_012327.6); short protein forms L311W.
Identifiers: ClinVar variation 426983 (VCV000426983.69), dbSNP rs746882521, ClinGen allele CA8982449.

ClinVar aggregate classification (germline): Pathogenic/Likely pathogenic. Review status: criteria provided, multiple submitters, no conflicts (2 of 4 stars). 14 submissions from 14 submitters: Pathogenic (11); Likely pathogenic (2). 1 of the submissions does not count toward it. Last evaluated 2026-01-01.

Conditions:
PIGN-related disorder. Also called: PIGN-related condition.
Multiple congenital anomalies-hypotonia-seizures syndrome 1 (MCAHS1). Also called: PIGN-CDG; Congenital disorder of glycosylation due to PIGN deficiency; GLYCOSYLPHOSPHATIDYLINOSITOL BIOSYNTHESIS DEFECT 3. Identifiers: Orphanet 280633, MedGen C3279775, MONDO:0013563, OMIM 614080.
Inborn genetic diseases. Identifiers: MedGen C0950123, MeSH D030342.

Allele frequency attached by ClinVar (database versions not stated): gnomAD exomes 0.00003 and 0.00014; ExAC 0.00005; gnomAD 0.00005; TOPMed 0.00005.
gnomAD v4.1: 194 of 1,518,458 alleles (0.013%); highest among the groups gnomAD compares: Non-Finnish European, 0.017%; no homozygotes.

Submissions (14):

Labcorp Genetics (formerly Invitae), Labcorp
Classification: Pathogenic for Multiple congenital anomalies-hypotonia-seizures syndrome 1. Last evaluated: 2026-01-01. Review status: criteria provided, single submitter. Criteria: Invitae Variant Classification Sherloc (09022015). Collection method: clinical testing. Allele origin: germline.
Comment: This sequence change replaces leucine, which is neutral and non-polar, with tryptophan, which is neutral and slightly polar, at codon 311 of the PIGN protein (p.Leu311Trp). This variant is present in population databases (rs746882521, gnomAD 0.006%). This missense change has been observed in individual(s) with multiple congenital anomalies-hypotonia-seizures syndrome (MCAHS) (PMID: 28327575). In at least one individual the data is consistent with being in trans (on the opposite chromosome) from a pathogenic variant. ClinVar contains an entry for this variant (Variation ID: 426983). Invitae Evidence Modeling of protein sequence and biophysical properties (such as structural, functional, and spatial information, amino acid conservation, physicochemical variation, residue mobility, and thermodynamic stability) indicates that this missense variant is expected to disrupt PIGN protein function with a positive predictive value of 80%. Experimental studies have shown that this missense change affects PIGN function (PMID: 28327575). For these reasons, this variant has been classified as Pathogenic.

Dasa
Classification: Pathogenic. Last evaluated: 2024-10-25. Review status: criteria provided, single submitter. Criteria: DASA Assertion Criteria. Collection method: clinical testing. Allele origin: germline.
Comment: NM_176787.5(PIGN):c.932T>G (p.Leu311Trp) is a missense variant that results in the substitution of leucine with tryptophan. This variant has been recurrently observed in affected individuals with related phenotype in a genotype context consistent with recessive disease (PMID: 36322149; PMID: 38509968; PMID: 26879448; PMID: 28327575; PMID: 35179230). Functional evidence supports a deleterious effect on the gene or gene product (PMID: 36322149; PMID: 38509968; PMID: 26879448; PMID: 28327575; PMID: 35179230). Multiple computational predictions support a deleterious effect on the gene or gene product. The variant is present at low frequency in population datasets. Based on the available data, this variant is classified as pathogenic.

Fulgent Genetics
Classification: Pathogenic for Multiple congenital anomalies-hypotonia-seizures syndrome 1. Last evaluated: 2024-04-23. Review status: criteria provided, single submitter. Criteria: ACMG Guidelines, 2015. Collection method: clinical testing. Allele origin: germline.

Greenwood Genetic Center Diagnostic Laboratories, Greenwood Genetic Center
Classification: Pathogenic for Multiple congenital anomalies-hypotonia-seizures syndrome 1. Last evaluated: 2024-01-26. Review status: criteria provided, single submitter. Criteria: ACMG Guidelines, 2015. Collection method: clinical testing. Allele origin: germline. Affected: yes.
Comment: PS3, PM3_Strong, PM2,

Blueprint Genetics
Classification: Pathogenic for PIGN-related disorders. Last evaluated: 2023-10-17. Review status: criteria provided, single submitter. Criteria: ACMG Guidelines, 2015. Collection method: clinical testing. Allele origin: germline. Affected: yes. Observed: 5 variant alleles.

Women's Health and Genetics/Laboratory Corporation of America, LabCorp
Classification: Pathogenic for Multiple congenital anomalies-hypotonia-seizures syndrome 1. Last evaluated: 2023-07-21. Review status: criteria provided, single submitter. Criteria: LabCorp Variant Classification Summary - May 2015. Collection method: clinical testing. Allele origin: germline.
Comment: Variant summary: PIGN c.932T>G (p.Leu311Trp) results in a non-conservative amino acid change located in the GPI ethanolamine phosphate transferase 1, N-terminal domain (IPR037671) of the encoded protein sequence. Five of five in-silico tools predict a damaging effect of the variant on protein function. The variant allele was found at a frequency of 3e-05 in 201228 control chromosomes. c.932T>G has been reported in the literature as a biallelic genotype in multiple individuals affected with features of Multiple Congenital Anomalies-Hypotonia Syndrome 1 (PIGN-encephalopathy) (example, Jezela-Stanek_2016, Pagnamenta_2017, Angione_2019, Powis_2020, Pronicka_2016, Bayat_2022). These data indicate that the variant is very likely to be associated with disease. The following publications have been ascertained in the context of this evaluation (PMID: 30660939, 35179230, 26879448, 28327575, 31628766, 27290639, 31440721). Eight submitters have cited clinical-significance assessments for this variant to ClinVar after 2014. All submitters classified the variant as pathogenic (n=7)/likely pathogenic (n=1). Based on the evidence outlined above, the variant was classified as pathogenic.

GeneDx
Classification: Pathogenic. Last evaluated: 2022-09-26. Review status: criteria provided, single submitter. Criteria: GeneDx Variant Classification Process June 2021. Collection method: clinical testing. Allele origin: germline. Affected: yes.
Comment: Published functional studies demonstrate that this variant results in significantly reduced enzymatic activity (Pagnamenta et al., 2017); Not observed at significant frequency in large population cohorts (gnomAD); In silico analysis supports that this missense variant has a deleterious effect on protein structure/function; This variant is associated with the following publications: (PMID: 26879448, 27290639, 27038415, 28327575, 30660939, 32585529, 31589614, 33619735, 35179230)

CeGaT Center for Human Genetics Tuebingen
Classification: Pathogenic. Last evaluated: 2022-08-01. Review status: criteria provided, single submitter. Criteria: CeGaT Center For Human Genetics Tuebingen Variant Classification Criteria Version 2. Collection method: clinical testing. Allele origin: germline. Affected: yes. Observed: 3 variant alleles.
Comment: PIGN: PM3:Very Strong, PM2, PS3:Supporting

Clinical Genetics Laboratory, Skane University Hospital Lund
Classification: Likely pathogenic. Last evaluated: 2022-05-27. Review status: criteria provided, single submitter. Criteria: ACMG Guidelines, 2015. Collection method: clinical testing. Allele origin: germline. Affected: yes.

Baylor Genetics
Classification: Pathogenic for Multiple congenital anomalies-hypotonia-seizures syndrome 1. Last evaluated: 2022-04-26. Review status: criteria provided, single submitter. Criteria: ACMG Guidelines, 2015. Collection method: clinical testing. Allele origin: unknown.

Revvity Omics, Revvity
Classification: Pathogenic for Multiple congenital anomalies-hypotonia-seizures syndrome 1. Last evaluated: 2021-12-08. Review status: criteria provided, single submitter. Criteria: ACMG Guidelines, 2015. Collection method: clinical testing. Allele origin: germline.

Institute of Human Genetics Munich, TUM University Hospital
Classification: Pathogenic for Multiple congenital anomalies-hypotonia-seizures syndrome 1. Last evaluated: 2019-06-05. Review status: criteria provided, single submitter. Criteria: Classification criteria August 2017. Collection method: clinical testing. Allele origin: paternal, maternal. Inheritance: Autosomal recessive inheritance. Affected: yes. Observed: 2 compound heterozygotes.

Ambry Genetics
Classification: Likely pathogenic for Inborn genetic diseases. Last evaluated: 2018-04-06. Review status: criteria provided, single submitter. Criteria: Ambry Variant Classification Scheme 2023. Collection method: clinical testing. Allele origin: germline.
Comment: The p.L311W variant (also known as c.932T>G), located in coding exon 8 of the PIGN gene, results from a T to G substitution at nucleotide position 932. The leucine at codon 311 is replaced by tryptophan, an amino acid with similar properties. This alteration was identified in an individual who had seizures, developmental delay, brain atrophy, and dysmorphic features and was compound heterozygous with another alteration p.G264R (Jezela-Stanek A et al. Eur. J. Paediatr. Neurol., 2016 May;20:462-73). This alteration was also identified in a different individual with cognitive impairment, seizures, extrapyramidal dyskinesia, dysmorphic features, and brain atrophy in the compound heterozygous state with the p.K232*. In addition, functional studies suggest decreased enzymatic activity and reduced expression of GPI-APs in patient granulocytes (Pagnamenta AT et al. Eur. J. Hum. Genet., 2017 06;25:669-679; Jezela-Stanek A et al. Eur. J. Paediatr. Neurol., 2016 May;20:462-73). This amino acid position is highly conserved in available vertebrate species. In addition, this alteration is predicted to be deleterious by in silico analysis. Based on the majority of available evidence to date, this variant is likely to be pathogenic.

Undiagnosed Diseases Network, NIH
Classification: Pathogenic for Multiple congenital anomalies-hypotonia-seizures syndrome 1. Last evaluated: 2022-05-24. Review status: no assertion criteria provided. Collection method: clinical testing. Allele origin: paternal. Affected: yes. Observed: 1 variant allele, 1 compound heterozygote. Not counted in ClinVar's aggregate classification.

Literature cited by the submitters: PubMed 28327575 (cited by 4 submitters); PubMed 36322149 (cited by Dasa); PubMed 38509968 (cited by Dasa); PubMed 26879448 (cited by 3 submitters); PubMed 35179230 (cited by Dasa and Women's Health and Genetics/Laboratory Corporation of America, LabCorp); PubMed 27290639 (cited by Women's Health and Genetics/Laboratory Corporation of America, LabCorp); PubMed 31628766 (cited by Women's Health and Genetics/Laboratory Corporation of America, LabCorp); PubMed 31440721 (cited by Women's Health and Genetics/Laboratory Corporation of America, LabCorp); PubMed 30660939 (cited by Women's Health and Genetics/Laboratory Corporation of America, LabCorp).